The following is an entry in ClinVar:

ClinVar aggregate classification (germline): Conflicting classifications of pathogenicity. Review status: criteria provided, conflicting classifications (1 of 4 stars). 2 submissions from 2 submitters: Uncertain significance (1); Likely benign (1). Last evaluated 2025-12-23.

Conditions:
Cryopyrin associated periodic syndrome (CAPS). Identifiers: Orphanet 208650, MedGen C2316212, MONDO:0016168.

Allele frequency attached by ClinVar (database versions not stated): ExAC 0.00004; gnomAD exomes 0.00004 and 0.00013; gnomAD 0.00009 and 0.00010.
gnomAD v4.1: 196 of 1,613,556 alleles (0.012%); highest among the groups gnomAD compares: Non-Finnish European, 0.016%; no homozygotes.

Submissions (2):

Labcorp Genetics (formerly Invitae), Labcorp
Classification: Likely benign for Cryopyrin associated periodic syndrome. Last evaluated: 2025-12-23. Review status: criteria provided, single submitter. Criteria: Invitae Variant Classification Sherloc (09022015). Collection method: clinical testing. Allele origin: germline.

GeneDx
Classification: Uncertain significance. Last evaluated: 2016-09-15. Review status: criteria provided, single submitter. Criteria: GeneDx Variant Classification (06012015). Collection method: clinical testing. Allele origin: germline. Affected: yes.
Comment: The c.2499-8T>A variant in the NLRP3 gene has not been reported previously as a pathogenic variant nor as a benign variant, to our knowledge. This variant, which occurs at a nucleotide that is not conserved across species, may reduce the quality of the splice acceptor site in intron 5, leading to abnormal gene splicing. However, since the natural splice acceptor site for intron 5 is not well predicted by splicing algorithms, the effect of this substitution is difficult to predict. The c.2499-8T>A variant was not observed in approximately 6500 individuals of European and African American ancestry in the NHLBI Exome Sequencing Project, indicating it is not a common benign variant in these populations. We interpret the maternally inherited c.2499-8T>A splicing variant as a variant of uncertain significance.

NM_001243133.2(NLRP3):c.2493-8T>A

Gene: NLRP3 (NLR family pyrin domain containing 3; plus strand). Cytogenetic location: 1q44.
Variant type: single nucleotide variant.
Coding change: c.2493-8T>A on transcript NM_001243133.2 (MANE Select); 8 bases into the intron before coding-DNA position 2493, T replaced by A.
Molecular consequence: intron variant.
Genome position (GRCh38, 1-based): chr1:247,435,962, T>A. VCF-style: chr1-247435962-T-A. GRCh37 (hg19) VCF-style: chr1-247599264-T-A.
Other names: c.2499-8T>A (NM_004895.5); c.2492+1689T>A (NM_001127461.3); c.2322-8T>A (NM_001127462.3); c.2321+1689T>A (NM_183395.3); c.2493-8T>A (NM_001079821.3).
Identifiers: ClinVar variation 372923 (VCV000372923.10), dbSNP rs199858933, ClinGen allele CA1495280.
Genomic context (GRCh38, chr1:247,435,962, plus strand): 5'-GGTGCTTCCTTGTCCATGGTGGAGCGTGGGTGAGAGACATGACTGACATTCTGCCATCTC[T>A]ATGGAAGGTTGGTCAGCTGCTGCCTCACATCAGCATGTTGTCAGGATCTTGCATCAGTAT-3'